The following is an entry in ClinVar:

ClinVar aggregate classification (germline): Likely benign. Review status: criteria provided, multiple submitters, no conflicts (2 of 4 stars). 2 submissions from 2 submitters: Likely benign (2). Last evaluated 2026-01-19.

Conditions:
ARNT2-related disorder. Also called: ARNT2-related condition.

Allele frequency attached by ClinVar (database versions not stated): gnomAD 0.00021; TOPMed 0.00021; gnomAD exomes 0.00023 and 0.00035; ExAC 0.00026; ESP Exome Variant Server 0.00031.
gnomAD v4.1: 535 of 1,614,232 alleles (0.033%); highest among the groups gnomAD compares: Non-Finnish European, 0.043%; 1 homozygote.

Submissions (2):

Labcorp Genetics (formerly Invitae), Labcorp
Classification: Likely benign. Last evaluated: 2026-01-19. Review status: criteria provided, single submitter. Criteria: Invitae Variant Classification Sherloc (09022015). Collection method: clinical testing. Allele origin: germline.

PreventionGenetics, part of Exact Sciences
Classification: Likely benign for ARNT2-related condition. Last evaluated: 2025-06-24. Review status: criteria provided, single submitter. Criteria: ACMG Guidelines, 2015. Collection method: clinical testing. Allele origin: germline.
Comment: This variant is classified as likely benign based on ACMG/AMP sequence variant interpretation guidelines (Richards et al. 2015 PMID: 25741868, with internal and published modifications).

NM_014862.4(ARNT2):c.1290C>T (p.Tyr430=)

Gene: ARNT2 (aryl hydrocarbon receptor nuclear translocator 2; plus strand). Cytogenetic location: 15q25.1.
Variant type: single nucleotide variant.
Coding change: c.1290C>T on transcript NM_014862.4 (MANE Select); coding-DNA position 1290, C replaced by T.
Protein change: p.Tyr430=; no amino-acid change (tyrosine 430 retained).
Molecular consequence: synonymous variant.
Genome position (GRCh38, 1-based): chr15:80,563,213, C>T. VCF-style: chr15-80563213-C-T. GRCh37 (hg19) VCF-style: chr15-80855554-C-T.
Identifiers: ClinVar variation 722593 (VCV000722593.9), dbSNP rs141035056, ClinGen allele CA7691970.